The following is an entry in ClinVar:

NM_053025.4(MYLK):c.1652-2A>C

Gene: MYLK (myosin light chain kinase; minus strand). Cytogenetic location: 3q21.1.
Variant type: single nucleotide variant.
Coding change: c.1652-2A>C on transcript NM_053025.4 (MANE Select); the canonical splice acceptor site of the intron before coding-DNA position 1652, A replaced by C.
Molecular consequence: splice acceptor variant.
Genome position (GRCh38, 1-based): chr3:123,722,282, T>G on the plus strand (A>C on the coding strand, the complement: MYLK is on the minus strand). VCF-style: chr3-123722282-T-G. GRCh37 (hg19) VCF-style: chr3-123441129-T-G.
Other names: c.1652-2A>C (NM_053025.3, NM_053027.4); c.1124-2A>C (NM_001321309.2); c.1445-2A>C (NM_053028.4, NM_053026.4).
Identifiers: ClinVar variation 2738755 (VCV002738755.5), dbSNP rs2474449715, ClinGen allele CA354235529.

ClinVar aggregate classification (germline): Uncertain significance. Review status: criteria provided, multiple submitters, no conflicts (2 of 4 stars). 3 submissions from 3 submitters: Uncertain significance (3). Last evaluated 2025-10-15.

Conditions:
Familial thoracic aortic aneurysm and aortic dissection (TAAD). Also called: Thoracic aortic aneurysms and dissections. Identifiers: Orphanet 91387, MedGen C4707243, MONDO:0019625.
Aortic aneurysm, familial thoracic 7 (AAT7). Also called: AORTIC DISSECTION, FAMILIAL, WITH OR WITHOUT AORTIC ANEURYSM. Identifiers: MedGen C3151077, MONDO:0013418, OMIM 613780.

Submissions (3):

Ambry Genetics
Classification: Uncertain significance for Familial thoracic aortic aneurysm and aortic dissection. Last evaluated: 2025-10-15. Review status: criteria provided, single submitter. Criteria: Ambry Variant Classification Scheme 2023. Collection method: clinical testing. Allele origin: germline.
Comment: The c.1652-2A>C intronic variant results from an A to C substitution two nucleotides upstream from coding exon 10 in the MYLK gene. This nucleotide position is highly conserved in available vertebrate species. In silico splice site analysis predicts that this alteration will weaken the native splice acceptor site. This variant is expected to result in loss of function due to an abnormal transcript, a translational frameshift leading to premature truncation, or nonsense-mediated mRNA decay. However, this alteration impacts only the long, nonmuscle MYLK isoform. While loss of function alterations that impact both the long and short MYLK isoforms have been reported in many patients with thoracic aortic aneurysms and dissections (TAAD), similar data is lacking for alterations that affect only the long isoform (Wallace SE et al. Genet Med 2019 01;21(1):144-151; Ambry internal data). Since supporting evidence is limited at this time, the clinical significance of this alteration remains unclear.

GeneDx
Classification: Uncertain significance. Last evaluated: 2025-07-11. Review status: criteria provided, single submitter. Criteria: GeneDx Variant Classification Process June 2021. Collection method: clinical testing. Allele origin: germline. Affected: yes.
Comment: Not observed at significant frequency in large population cohorts (gnomAD); Canonical splice site variant with an unclear effect on protein function; Has not been previously published as pathogenic or benign to our knowledge

Labcorp Genetics (formerly Invitae), Labcorp
Classification: Uncertain significance for Aortic aneurysm, familial thoracic 7. Last evaluated: 2024-12-08. Review status: criteria provided, single submitter. Criteria: Invitae Variant Classification Sherloc (09022015). Collection method: clinical testing. Allele origin: germline.
Comment: This sequence change affects an acceptor splice site in intron 12 of the MYLK gene. This variant occurs in the long isoform of MYLK (PMID: 21055718). The current clinical and genetic evidence is not sufficient to establish whether loss-of-function variants in the long isoform of MYLK cause disease. This variant is not present in population databases (gnomAD no frequency). This variant has not been reported in the literature in individuals affected with MYLK-related conditions. ClinVar contains an entry for this variant (Variation ID: 2738755). Algorithms developed to predict the effect of sequence changes on RNA splicing suggest that this variant may disrupt the consensus splice site. In summary, the available evidence is currently insufficient to determine the role of this variant in disease. Therefore, it has been classified as a Variant of Uncertain Significance.

Literature cited by the submitters: PubMed 21055718 (cited by Labcorp Genetics (formerly Invitae), Labcorp).